The following is an entry in ClinVar:

NM_001378778.1(MPDZ):c.1385G>A (p.Arg462Lys)

Gene: MPDZ (multiple PDZ domain crumbs cell polarity complex component; minus strand). Cytogenetic location: 9p23.
Variant type: single nucleotide variant.
Coding change: c.1385G>A on transcript NM_001378778.1 (MANE Select); coding-DNA position 1385, G replaced by A.
Protein change: p.Arg462Lys; replaces arginine 462 with lysine.
Molecular consequence: missense variant.
Genome position (GRCh38, 1-based): chr9:13,206,005, C>T on the plus strand (G>A on the coding strand, the complement: MPDZ is on the minus strand). VCF-style: chr9-13206005-C-T. GRCh37 (hg19) VCF-style: chr9-13206004-C-T.
Other names: c.1385G>A, p.Arg462Lys (NM_001261406.2, NM_001261407.2, NM_001330637.2 and 14 more transcripts); short protein forms R462K.
Identifiers: ClinVar variation 1480721 (VCV001480721.3), dbSNP rs1250100532, ClinGen allele CA372943246.
Genomic context (GRCh38, chr9:13,206,005, plus strand): 5'-AAATCTGCATCTTTTGTGACGTCTTCCCTTGACATGAGCTCGGCTTCCTGCTTCATTCCT[C>T]TCCTCATTAGTGTCAGGAGCACAGTTTGTCCTGTATGTCGCAATACCTCTACTGCTTGCT-3'
Protein context (NP_001365707.1, residues 452-472): GQTVLLTLMR[Arg462Lys]GMKQEAELMS

ClinVar aggregate classification (germline): Uncertain significance (1 of 4 stars; one submission).

Allele frequency attached by ClinVar (database versions not stated): gnomAD exomes 0.00001.
gnomAD v4.1: 4 of 1,612,554 alleles (0.00025%); highest among the groups gnomAD compares: Admixed American, 0.0033%; no homozygotes.

Submission:

Labcorp Genetics (formerly Invitae), Labcorp
Classification: Uncertain significance. Last evaluated: 2022-07-26. Review status: criteria provided, single submitter. Criteria: Invitae Variant Classification Sherloc (09022015). Collection method: clinical testing. Allele origin: germline.
Comment: This sequence change replaces arginine, which is basic and polar, with lysine, which is basic and polar, at codon 462 of the MPDZ protein (p.Arg462Lys). This variant is present in population databases (no rsID available, gnomAD 0.003%). This missense change has been observed in individual(s) with retinitis pigmentosa (Invitae). ClinVar contains an entry for this variant (Variation ID: 1480721). Algorithms developed to predict the effect of missense changes on protein structure and function output the following: SIFT: "Tolerated"; PolyPhen-2: "Benign"; Align-GVGD: "Class C0". The lysine amino acid residue is found in multiple mammalian species, which suggests that this missense change does not adversely affect protein function. In summary, the available evidence is currently insufficient to determine the role of this variant in disease. Therefore, it has been classified as a Variant of Uncertain Significance.